The following is an entry in ClinVar:

NM_018089.3(ANKZF1):c.436C>T (p.Arg146Trp)

Gene: ANKZF1 (ankyrin repeat and zinc finger peptidyl tRNA hydrolase 1; plus strand). Cytogenetic location: 2q35.
Variant type: single nucleotide variant.
Coding change: c.436C>T on transcript NM_018089.3 (MANE Select); coding-DNA position 436, C replaced by T.
Protein change: p.Arg146Trp; replaces arginine 146 with tryptophan.
Molecular consequence: missense variant. On other transcripts: 5 prime UTR variant (1).
Genome position (GRCh38, 1-based): chr2:219,232,561, C>T. VCF-style: chr2-219232561-C-T. GRCh37 (hg19) VCF-style: chr2-220097283-C-T.
Other names: c.436C>T (NM_018089.2); c.436C>T, p.Arg146Trp (NM_001042410.2); c.-195C>T (NM_001282792.2); short protein forms R146W.
Identifiers: ClinVar variation 1480734 (VCV001480734.8), dbSNP rs199733184, ClinGen allele CA2120752.

ClinVar aggregate classification (germline): Uncertain significance. Review status: criteria provided, multiple submitters, no conflicts (2 of 4 stars). 2 submissions from 2 submitters: Uncertain significance (2). Last evaluated 2026-01-26.

Allele frequency attached by ClinVar (database versions not stated): ExAC 0.00015; ESP Exome Variant Server 0.00050.
gnomAD v4.1: 817 of 1,614,042 alleles (0.051%); highest among the groups gnomAD compares: Non-Finnish European, 0.065%; 2 homozygotes.

Submissions (2):

Labcorp Genetics (formerly Invitae), Labcorp
Classification: Uncertain significance. Last evaluated: 2026-01-26. Review status: criteria provided, single submitter. Criteria: Invitae Variant Classification Sherloc (09022015). Collection method: clinical testing. Allele origin: germline.
Comment: This sequence change replaces arginine, which is basic and polar, with tryptophan, which is neutral and slightly polar, at codon 146 of the ANKZF1 protein (p.Arg146Trp). This variant is present in population databases (rs199733184, gnomAD 0.03%). This variant has not been reported in the literature in individuals affected with ANKZF1-related conditions. ClinVar contains an entry for this variant (Variation ID: 1480734). An algorithm developed to predict the effect of missense changes on protein structure and function (PolyPhen-2) suggests that this variant is likely to be tolerated. In summary, the available evidence is currently insufficient to determine the role of this variant in disease. Therefore, it has been classified as a Variant of Uncertain Significance.

Ambry Genetics
Classification: Uncertain significance. Last evaluated: 2024-06-13. Review status: criteria provided, single submitter. Criteria: Ambry Variant Classification Scheme 2023. Collection method: clinical testing. Allele origin: germline.